The following is an entry in ClinVar:

ClinVar aggregate classification (germline): Uncertain significance. Review status: criteria provided, multiple submitters, no conflicts (2 of 4 stars). 2 submissions from 2 submitters: Uncertain significance (2). Last evaluated 2020-04-14.

Conditions:
Inborn genetic diseases. Identifiers: MedGen C0950123, MeSH D030342.
Autosomal dominant nocturnal frontal lobe epilepsy 1. Also called: CHRNA4-Related Nocturnal Frontal Lobe Epilepsy, Autosomal Dominant; EPILEPSY, NOCTURNAL FRONTAL LOBE, TYPE 1. Identifiers: Orphanet 98784, MedGen C1838049, MONDO:0010899, OMIM 600513.

Allele frequency attached by ClinVar (database versions not stated): gnomAD exomes below 0.00001; gnomAD 0.00001.
gnomAD v4.1: 2 of 1,613,692 alleles (0.00012%); highest among the groups gnomAD compares: African/African-American, 0.0027%; no homozygotes.

Submissions (2):

Baylor Genetics
Classification: Uncertain significance for Autosomal dominant nocturnal frontal lobe epilepsy 1. Last evaluated: 2020-04-14. Review status: criteria provided, single submitter. Criteria: ACMG Guidelines, 2015. Collection method: clinical testing. Allele origin: unknown. Affected: yes.
Comment: This variant was determined to be of uncertain significance according to ACMG Guidelines, 2015 [PMID:25741868].

Ambry Genetics
Classification: Uncertain significance for Inborn genetic diseases. Last evaluated: 2020-03-27. Review status: criteria provided, single submitter. Criteria: Ambry Variant Classification Scheme 2023. Collection method: clinical testing. Allele origin: germline.
Comment: The p.W343C variant (also known as c.1029G>C), located in coding exon 5 of the CHRNA4 gene, results from a G to C substitution at nucleotide position 1029. The tryptophan at codon 343 is replaced by cysteine, an amino acid with highly dissimilar properties. This amino acid position is highly conserved in available vertebrate species. In addition, this alteration is predicted to be deleterious by in silico analysis. Since supporting evidence is limited at this time, the clinical significance of this alteration remains unclear.

NM_000744.7(CHRNA4):c.1029G>C (p.Trp343Cys)

Gene: CHRNA4 (cholinergic receptor nicotinic alpha 4 subunit; minus strand). Cytogenetic location: 20q13.33.
Variant type: single nucleotide variant.
Coding change: c.1029G>C on transcript NM_000744.7 (MANE Select); coding-DNA position 1029, G replaced by C.
Protein change: p.Trp343Cys; replaces tryptophan 343 with cysteine.
Molecular consequence: missense variant. On other transcripts: non-coding transcript variant (1).
Genome position (GRCh38, 1-based): chr20:63,350,382, C>G on the plus strand (G>C on the coding strand, the complement: CHRNA4 is on the minus strand). VCF-style: chr20-63350382-C-G. GRCh37 (hg19) VCF-style: chr20-61981734-C-G.
Other names: c.501G>C, p.Trp167Cys (NM_001256573.2); short protein forms W167C, W343C.
Identifiers: ClinVar variation 1030886 (VCV001030886.3), dbSNP rs1234808455, ClinGen allele CA409635493.